The following is an entry in ClinVar:

NM_001142416.2(AIMP1):c.313G>A (p.Val105Ile)

Gene: AIMP1 (aminoacyl tRNA synthetase complex interacting multifunctional protein 1; plus strand). Cytogenetic location: 4q24.
Variant type: single nucleotide variant.
Coding change: c.313G>A on transcript NM_001142416.2 (MANE Select); coding-DNA position 313, G replaced by A.
Protein change: p.Val105Ile; replaces valine 105 with isoleucine.
Molecular consequence: missense variant.
Genome position (GRCh38, 1-based): chr4:106,328,165, G>A. VCF-style: chr4-106328165-G-A. GRCh37 (hg19) VCF-style: chr4-107249322-G-A.
Other names: c.313G>A, p.Val105Ile (NM_001142415.2, NM_004757.4); short protein forms V105I.
Identifiers: ClinVar variation 1363132 (VCV001363132.8), dbSNP rs956742218, ClinGen allele CA103423994.

ClinVar aggregate classification (germline): Uncertain significance (1 of 4 stars; one submission).

Allele frequency attached by ClinVar (database versions not stated): gnomAD exomes below 0.00001.
gnomAD v4.1: 5 of 1,613,244 alleles (0.00031%); highest among the groups gnomAD compares: Non-Finnish European, 0.00042%; no homozygotes.

Submission:

Labcorp Genetics (formerly Invitae), Labcorp
Classification: Uncertain significance. Last evaluated: 2022-08-09. Review status: criteria provided, single submitter. Criteria: Invitae Variant Classification Sherloc (09022015). Collection method: clinical testing. Allele origin: germline.
Comment: This sequence change replaces valine, which is neutral and non-polar, with isoleucine, which is neutral and non-polar, at codon 105 of the AIMP1 protein (p.Val105Ile). This variant is not present in population databases (gnomAD no frequency). This variant has not been reported in the literature in individuals affected with AIMP1-related conditions. ClinVar contains an entry for this variant (Variation ID: 1363132). Algorithms developed to predict the effect of missense changes on protein structure and function output the following: SIFT: "Tolerated"; PolyPhen-2: "Benign"; Align-GVGD: "Class C0". The isoleucine amino acid residue is found in multiple mammalian species, which suggests that this missense change does not adversely affect protein function. In summary, the available evidence is currently insufficient to determine the role of this variant in disease. Therefore, it has been classified as a Variant of Uncertain Significance.